The following is an entry in ClinVar:

ClinVar aggregate classification (germline): Uncertain significance. Review status: criteria provided, multiple submitters, no conflicts (2 of 4 stars). 3 submissions from 3 submitters: Uncertain significance (3). Last evaluated 2025-05-26.

Conditions:
Temtamy preaxial brachydactyly syndrome (TPBS). Identifiers: Orphanet 363417, MedGen C1854466, MONDO:0011533, OMIM 605282.
Inborn genetic diseases. Identifiers: MedGen C0950123, MeSH D030342.

Allele frequency attached by ClinVar (database versions not stated): ExAC 0.00001; gnomAD 0.00003; ESP Exome Variant Server 0.00008.
gnomAD v4.1: 15 of 1,613,166 alleles (0.00093%); highest among the groups gnomAD compares: African/African-American, 0.0013%; no homozygotes.

Submissions (3):

Ambry Genetics
Classification: Uncertain significance for Inborn genetic diseases. Last evaluated: 2025-05-26. Review status: criteria provided, single submitter. Criteria: Ambry Variant Classification Scheme 2023. Collection method: clinical testing. Allele origin: germline.

Mayo Clinic Laboratories, Mayo Clinic
Classification: Uncertain significance. Last evaluated: 2023-03-29. Review status: criteria provided, single submitter. Criteria: ACMG Guidelines, 2015. Collection method: clinical testing. Allele origin: germline. Observed: 1 variant allele.
Comment: PM2

Labcorp Genetics (formerly Invitae), Labcorp
Classification: Uncertain significance for Temtamy preaxial brachydactyly syndrome. Last evaluated: 2022-11-15. Review status: criteria provided, single submitter. Criteria: Invitae Variant Classification Sherloc (09022015). Collection method: clinical testing. Allele origin: germline.
Comment: In summary, the available evidence is currently insufficient to determine the role of this variant in disease. Therefore, it has been classified as a Variant of Uncertain Significance. Advanced modeling of protein sequence and biophysical properties (such as structural, functional, and spatial information, amino acid conservation, physicochemical variation, residue mobility, and thermodynamic stability) performed at Invitae indicates that this missense variant is not expected to disrupt CHSY1 protein function. This variant has not been reported in the literature in individuals affected with CHSY1-related conditions. This variant is present in population databases (rs375024101, gnomAD 0.007%). This sequence change replaces glycine, which is neutral and non-polar, with alanine, which is neutral and non-polar, at codon 765 of the CHSY1 protein (p.Gly765Ala).

NM_014918.5(CHSY1):c.2294G>C (p.Gly765Ala)

Gene: CHSY1 (chondroitin sulfate synthase 1; minus strand). Cytogenetic location: 15q26.3.
Variant type: single nucleotide variant.
Coding change: c.2294G>C on transcript NM_014918.5 (MANE Select); coding-DNA position 2294, G replaced by C.
Protein change: p.Gly765Ala; replaces glycine 765 with alanine.
Molecular consequence: missense variant.
Genome position (GRCh38, 1-based): chr15:101,177,503, C>G on the plus strand (G>C on the coding strand, the complement: CHSY1 is on the minus strand). VCF-style: chr15-101177503-C-G. GRCh37 (hg19) VCF-style: chr15-101717708-C-G.
Other names: p.Gly765Ala; c.2294G>C (NM_014918.4); short protein forms G765A.
Identifiers: ClinVar variation 2683332 (VCV002683332.4), dbSNP rs375024101, ClinGen allele CA7762389.